The following is an entry in ClinVar:

NM_001271.4(CHD2):c.5240A>C (p.His1747Pro)

Gene: CHD2 (chromodomain helicase DNA binding protein 2; plus strand). Cytogenetic location: 15q26.1.
Variant type: single nucleotide variant.
Coding change: c.5240A>C on transcript NM_001271.4 (MANE Select); coding-DNA position 5240, A replaced by C.
Protein change: p.His1747Pro; replaces histidine 1747 with proline.
Molecular consequence: missense variant.
Genome position (GRCh38, 1-based): chr15:93,024,458, A>C. VCF-style: chr15-93024458-A-C. GRCh37 (hg19) VCF-style: chr15-93567688-A-C.
Other names: short protein forms H1747P.
Identifiers: ClinVar variation 2701733 (VCV002701733.3), dbSNP rs2505650713, ClinGen allele CA393908369.
Genomic context (GRCh38, chr15:93,024,458, plus strand): 5'-GATCCGATGAATTTAGGCCTCAAAATTACCACCAGCAGGATTTCCGACGAATGTCTGATC[A>C]CCGCCCCGCTATGGGCTACCATGGCCAGGGACCCTCAGACCATTACCGCTCTTTCCACAC-3'
Protein context (NP_001262.3, residues 1737-1757): HQQDFRRMSD[His1747Pro]RPAMGYHGQG

ClinVar aggregate classification (germline): Uncertain significance (1 of 4 stars; one submission).

Conditions:
Developmental and epileptic encephalopathy 94 (DEE94). Also called: CHD2-Related Neurodevelopmental Disorders; Epileptic encephalopathy, childhood-onset. Identifiers: Orphanet 1942, Orphanet 2382, MedGen C3809278, MONDO:0014150, OMIM 615369.

Submission:

Labcorp Genetics (formerly Invitae), Labcorp
Classification: Uncertain significance for Developmental and epileptic encephalopathy 94. Last evaluated: 2023-12-09. Review status: criteria provided, single submitter. Criteria: Invitae Variant Classification Sherloc (09022015). Collection method: clinical testing. Allele origin: germline.
Comment: This sequence change replaces histidine, which is basic and polar, with proline, which is neutral and non-polar, at codon 1747 of the CHD2 protein (p.His1747Pro). This variant is not present in population databases (gnomAD no frequency). This variant has not been reported in the literature in individuals affected with CHD2-related conditions. Advanced modeling of protein sequence and biophysical properties (such as structural, functional, and spatial information, amino acid conservation, physicochemical variation, residue mobility, and thermodynamic stability) performed at Invitae indicates that this missense variant is not expected to disrupt CHD2 protein function with a negative predictive value of 95%. In summary, the available evidence is currently insufficient to determine the role of this variant in disease. Therefore, it has been classified as a Variant of Uncertain Significance.